The following is an entry in ClinVar:

ClinVar aggregate classification (germline): Uncertain significance (1 of 4 stars; one submission).

Conditions:
Ehlers-Danlos syndrome, type 4 (EDSVASC). Also called: Ehlers-Danlos Syndrome Type IV; Ehlers-Danlos syndrome vascular type; Ehlers Danlos syndrome, ecchymotic type; Ehlers Danlos syndrome, arterial type; Ehlers Danlos syndrome, Sack-Barabas type. Identifiers: Orphanet 286, MedGen C0268338, MONDO:0017314, OMIM 130050.

Submission:

All of Us Research Program, National Institutes of Health
Classification: Uncertain significance for Ehlers-Danlos syndrome, type 4. Last evaluated: 2023-08-15. Review status: criteria provided, single submitter. Criteria: ACMG Guidelines, 2015. Collection method: clinical testing. Allele origin: germline. Inheritance: Autosomal dominant inheritance. Observed: 1 variant allele, 1 heterozygote.
Comment: This study involves interpretation of variants in research participants for the purpose of population health screening. Participant phenotype was not available at the time of variant classification. Additional details can be found in publication PMID: 35346344, PMCID: PMC8962531

NM_000090.4(COL3A1):c.356G>A (p.Arg119Lys)

Gene: COL3A1 (collagen type III alpha 1 chain; plus strand). Cytogenetic location: 2q32.2.
Variant type: single nucleotide variant.
Coding change: c.356G>A on transcript NM_000090.4 (MANE Select); coding-DNA position 356, G replaced by A.
Protein change: p.Arg119Lys; replaces arginine 119 with lysine.
Molecular consequence: missense variant.
Genome position (GRCh38, 1-based): chr2:188,985,687, G>A. VCF-style: chr2-188985687-G-A. GRCh37 (hg19) VCF-style: chr2-189850413-G-A.
Other names: short protein forms R119K.
Identifiers: ClinVar variation 3072812 (VCV003072812.1), dbSNP rs773010747, ClinGen allele CA349847755.